The following is an entry in ClinVar:

ClinVar aggregate classification (germline): Uncertain significance (1 of 4 stars; one submission).

Conditions:
SHORT syndrome. Also called: LIPODYSTROPHY, PARTIAL, WITH RIEGER ANOMALY AND SHORT STATURE; PIK3R1-Related SHORT Syndrome; SHORT STATURE, HYPEREXTENSIBILITY, HERNIA, OCULAR DEPRESSION, RIEGER ANOMALY, AND TEETHING DELAY. Identifiers: Orphanet 3163, MedGen C0878684, MONDO:0010026, OMIM 269880.
Agammaglobulinemia 7, autosomal recessive (AGM7). Also called: AGAMMAGLOBULINEMIA, AUTOSOMAL RECESSIVE, DUE TO PIK3R1 DEFECT. Identifiers: MedGen C3554689, MONDO:0014083, OMIM 615214.
Immunodeficiency 36 with lymphoproliferation. Also called: Immunodeficiency 36; ACTIVATED PI3K-DELTA SYNDROME 2; Activated PI3K Delta Syndrome Type 2 (APDS2). Identifiers: Orphanet 397596, Orphanet 693681, MedGen C4014934, MONDO:0014453, OMIM 616005.

Submission:

Labcorp Genetics (formerly Invitae), Labcorp
Classification: Uncertain significance for SHORT syndrome; Immunodeficiency 36 with lymphoproliferation; Agammaglobulinemia 7, autosomal recessive. Last evaluated: 2021-02-18. Review status: criteria provided, single submitter. Criteria: Invitae Variant Classification Sherloc (09022015). Collection method: clinical testing. Allele origin: germline.
Comment: In summary, the available evidence is currently insufficient to determine the role of this variant in disease. Therefore, it has been classified as a Variant of Uncertain Significance. Algorithms developed to predict the effect of missense changes on protein structure and function (SIFT, PolyPhen-2, Align-GVGD) all suggest that this variant is likely to be tolerated, but these predictions have not been confirmed by published functional studies and their clinical significance is uncertain. This variant has not been reported in the literature in individuals with PIK3R1-related conditions. This variant is not present in population databases (ExAC no frequency). This sequence change replaces tyrosine with phenylalanine at codon 189 of the PIK3R1 protein (p.Tyr189Phe). The tyrosine residue is moderately conserved and there is a small physicochemical difference between tyrosine and phenylalanine.

NM_181523.3(PIK3R1):c.566A>T (p.Tyr189Phe)

Gene: PIK3R1 (phosphoinositide-3-kinase regulatory subunit 1; plus strand). Cytogenetic location: 5q13.1.
Variant type: single nucleotide variant.
Coding change: c.566A>T on transcript NM_181523.3 (MANE Select); coding-DNA position 566, A replaced by T.
Protein change: p.Tyr189Phe; replaces tyrosine 189 with phenylalanine.
Molecular consequence: missense variant.
Genome position (GRCh38, 1-based): chr5:68,279,665, A>T. VCF-style: chr5-68279665-A-T. GRCh37 (hg19) VCF-style: chr5-67575493-A-T.
Other names: short protein forms Y189F.
Identifiers: ClinVar variation 1371842 (VCV001371842.8), dbSNP rs1237204595, ClinGen allele CA359873906.
Genomic context (GRCh38, chr5:68,279,665, plus strand): 5'-CACCCTCCGTGGACTTGGAAATGATCGATGTGCACGTTTTGGCTGACGCTTTCAAACGCT[A>T]TCTCCTGGACTTACCAAATCCTGTCATTCCAGCAGCCGTTTACAGTGAAATGATTTCTTT-3'
Protein context (NP_852664.1, residues 179-199): VHVLADAFKR[Tyr189Phe]LLDLPNPVIP